The following is an entry in ClinVar:

NM_031263.4(HNRNPK):c.584T>C (p.Ile195Thr)

Genes: HNRNPK (heterogeneous nuclear ribonucleoprotein K; minus strand), HNRNPK-AS1 (HNRNPK antisense RNA 1; plus strand). Cytogenetic location: 9q21.32.
Variant type: single nucleotide variant.
Coding change: c.584T>C on transcript NM_031263.4 (MANE Select); coding-DNA position 584, T replaced by C.
Protein change: p.Ile195Thr; replaces isoleucine 195 with threonine.
Molecular consequence: missense variant.
Genome position (GRCh38, 1-based): chr9:83,972,905, A>G on the plus strand (T>C on the coding strand, the complement: HNRNPK is on the minus strand). VCF-style: chr9-83972905-A-G. GRCh37 (hg19) VCF-style: chr9-86587820-A-G.
Other names: c.512T>C, p.Ile171Thr (NM_001318186.2, NM_001318187.2); c.584T>C, p.Ile195Thr (NM_001318188.2, NM_002140.5, NM_031262.4); short protein forms I171T, I195T.
Identifiers: ClinVar variation 2446578 (VCV002446578.4), dbSNP rs2491980401, ClinGen allele CA373926686.
Genomic context (GRCh38, chr9:83,972,905, plus strand): 5'-TCAGATATAAGATCAAGGATGATCTTTATGCACTCTACAACCCTATCGGGTTTTCCTCCA[A>G]TAAGAACAACTCTGTCAGTGGAATGAGGACAGCATTCCTGGAAAAGCTTGATGGTGGTTT-3'
Protein context (NP_112553.1, residues 185-205): CPHSTDRVVL[Ile195Thr]GGKPDRVVEC

ClinVar aggregate classification (germline): Uncertain significance. Review status: criteria provided, multiple submitters, no conflicts (2 of 4 stars). 2 submissions from 2 submitters: Uncertain significance (2). Last evaluated 2024-02-08.

Conditions:
Inborn genetic diseases. Identifiers: MedGen C0950123, MeSH D030342.

Allele frequency attached by ClinVar (database versions not stated): gnomAD exomes below 0.00001.
gnomAD v4.1: 1 of 1,610,448 alleles (0.000062%); highest among the groups gnomAD compares: Non-Finnish European, 0.000085%; no homozygotes.

Submissions (2):

GeneDx
Classification: Uncertain significance. Last evaluated: 2024-02-08. Review status: criteria provided, single submitter. Criteria: GeneDx Variant Classification Process June 2021. Collection method: clinical testing. Allele origin: germline. Affected: yes.
Comment: Not observed at significant frequency in large population cohorts (gnomAD); In silico analysis supports that this missense variant has a deleterious effect on protein structure/function; Has not been previously published as pathogenic or benign to our knowledge

Ambry Genetics
Classification: Uncertain significance for Inborn genetic diseases. Last evaluated: 2023-02-10. Review status: criteria provided, single submitter. Criteria: Ambry Variant Classification Scheme 2023. Collection method: clinical testing. Allele origin: germline.